The following is an entry in ClinVar:

NM_001042492.3(NF1):c.3857C>T (p.Thr1286Ile)

Gene: NF1 (neurofibromin 1; plus strand). Cytogenetic location: 17q11.2.
Variant type: single nucleotide variant.
Coding change: c.3857C>T on transcript NM_001042492.3 (MANE Select); coding-DNA position 3857, C replaced by T.
Protein change: p.Thr1286Ile; replaces threonine 1286 with isoleucine.
Molecular consequence: missense variant.
Genome position (GRCh38, 1-based): chr17:31,235,759, C>T. VCF-style: chr17-31235759-C-T. GRCh37 (hg19) VCF-style: chr17-29562777-C-T.
Other names: c.3857C>T, p.Thr1286Ile (NM_000267.4); short protein forms T1286I.
Identifiers: ClinVar variation 404501 (VCV000404501.5), dbSNP rs1060500306, ClinGen allele CA16615237.
Genomic context (GRCh38, chr17:31,235,759, plus strand): 5'-AATTGGCAGACTCCATGCAGACTCTCTTCCGAGGCAACAGCTTGGCCAGTAAAATAATGA[C>T]ATTCTGTTTCAAGGTTTGTATCATTCATTTTGTGTGTATGTGTGTGCTGAGGTATGTCAA-3'
Protein context (NP_001035957.1, residues 1276-1296): RGNSLASKIM[Thr1286Ile]FCFKVYGATY

ClinVar aggregate classification (germline): Uncertain significance (1 of 4 stars; one submission).

Conditions:
Neurofibromatosis, type 1 (NF1). Also called: Neurofibromatosis, type I; NEUROFIBROMATOSIS, TYPE I, SOMATIC; Peripheral type neurofibromatosis; VON RECKLINGHAUSEN DISEASE. Identifiers: Orphanet 636, MedGen C0027831, MONDO:0018975, OMIM 162200. Disease mechanism: loss of function.

Submission:

Labcorp Genetics (formerly Invitae), Labcorp
Classification: Uncertain significance for Neurofibromatosis, type 1. Last evaluated: 2023-08-07. Review status: criteria provided, single submitter. Criteria: Invitae Variant Classification Sherloc (09022015). Collection method: clinical testing. Allele origin: germline.
Comment: In summary, the available evidence is currently insufficient to determine the role of this variant in disease. Therefore, it has been classified as a Variant of Uncertain Significance. Advanced modeling of protein sequence and biophysical properties (such as structural, functional, and spatial information, amino acid conservation, physicochemical variation, residue mobility, and thermodynamic stability) performed at Invitae indicates that this missense variant is expected to disrupt NF1 protein function. ClinVar contains an entry for this variant (Variation ID: 404501). This variant has not been reported in the literature in individuals affected with NF1-related conditions. This variant is not present in population databases (gnomAD no frequency). This sequence change replaces threonine, which is neutral and polar, with isoleucine, which is neutral and non-polar, at codon 1286 of the NF1 protein (p.Thr1286Ile).